The following is an entry in ClinVar:

ClinVar aggregate classification (germline): Benign (1 of 4 stars; one submission).

Allele frequency attached by ClinVar (database versions not stated): ESP Exome Variant Server 0.00015; gnomAD 0.00031; TOPMed 0.00033; gnomAD exomes 0.00042; ExAC 0.00061; 1000 Genomes Project 0.00120; 1000 Genomes Project 30x 0.00125.
gnomAD v4.1: 647 of 1,613,866 alleles (0.04%); highest among the groups gnomAD compares: East Asian, 1.2%; 5 homozygotes.

Submission:

CeGaT Center for Human Genetics Tuebingen
Classification: Benign. Last evaluated: 2022-10-01. Review status: criteria provided, single submitter. Criteria: CeGaT Center For Human Genetics Tuebingen Variant Classification Criteria Version 2. Collection method: clinical testing. Allele origin: germline. Affected: yes. Observed: 2 variant alleles.
Comment: PRKG1: BS1, BS2

NM_006258.4(PRKG1):c.593-105681C>T

Genes: CSTF2T (cleavage stimulation factor subunit 2 tau variant; minus strand), PRKG1 (protein kinase cGMP-dependent 1; plus strand). Cytogenetic location: 10q21.1.
Variant type: single nucleotide variant.
Coding change: c.593-105681C>T on transcript NM_006258.4 (MANE Select); 105681 bases into the intron before coding-DNA position 593, C replaced by T.
Molecular consequence: intron variant. On other transcripts: missense variant (1).
Genome position (GRCh38, 1-based): chr10:51,698,904, C>T. VCF-style: chr10-51698904-C-T. GRCh37 (hg19) VCF-style: chr10-53458664-C-T.
Other names: c.646G>A, p.Gly216Ser (NM_015235.3); c.548-105681C>T (NM_001098512.3); c.593-105681C>T (NM_001374782.1); short protein forms G216S.
Identifiers: ClinVar variation 2640470 (VCV002640470.24), dbSNP rs144891921, ClinGen allele CA5503431.